The following is an entry in ClinVar:

ClinVar aggregate classification (germline): Uncertain significance (1 of 4 stars; one submission).

Submission:

GeneDx
Classification: Uncertain significance. Last evaluated: 2026-01-31. Review status: criteria provided, single submitter. Criteria: GeneDx Variant Classification Process June 2021. Collection method: clinical testing. Allele origin: germline.
Comment: Not observed at significant frequency in large population cohorts (gnomAD); In silico analysis suggests that this missense variant does not alter protein structure/function; Has not been previously published as pathogenic or benign to our knowledge

NM_001282531.3(ADNP):c.502A>G (p.Lys168Glu)

Gene: ADNP (activity dependent neuroprotector homeobox; minus strand). Cytogenetic location: 20q13.13.
Variant type: single nucleotide variant.
Coding change: c.502A>G on transcript NM_001282531.3 (MANE Select); coding-DNA position 502, A replaced by G.
Protein change: p.Lys168Glu; replaces lysine 168 with glutamic acid.
Molecular consequence: missense variant. On other transcripts: 5 prime UTR variant (1).
Genome position (GRCh38, 1-based): chr20:50,894,212, T>C on the plus strand (A>G on the coding strand, the complement: ADNP is on the minus strand). VCF-style: chr20-50894212-T-C. GRCh37 (hg19) VCF-style: chr20-49510749-T-C.
Other names: c.502A>G, p.Lys168Glu (NM_001282532.2, NM_001347511.2, NM_015339.5 and 1 more transcripts); c.718A>G, p.Lys240Glu (NM_001439000.1); c.-183A>G (NM_001439001.1); short protein forms K168E, K240E.
Identifiers: ClinVar variation 4975632 (VCV004975632.1).
Genomic context (GRCh38, chr20:50,894,212, plus strand): 5'-GTTCCCTGTAAATGTGCTTCCTAACTATTTCATAAAGAGGATCTCGGTAAGTGCACTTCT[T>C]ACAGTAATAAACAGCTTGCTCTACACTGTCAGCCTGCTTAGGTTTAAGGCCATCATTTTT-3'
Protein context (NP_001269460.1, residues 158-178): DSVEQAVYYC[Lys168Glu]KCTYRDPLYE